The following is an entry in ClinVar:

ClinVar aggregate classification (germline): Conflicting classifications of pathogenicity. Review status: criteria provided, conflicting classifications (1 of 4 stars). 8 submissions from 8 submitters: Uncertain significance (2); Benign (2); Likely benign (3). 1 of the submissions does not count toward it. Last evaluated 2025-11-10.

Conditions:
Gray platelet syndrome (GPS). Also called: BLEEDING DISORDER, PLATELET-TYPE, 4. Identifiers: Orphanet 721, MedGen C0272302, MONDO:0007686, OMIM 139090.
NBEAL2-related disorder. Also called: NBEAL2-related condition.

Allele frequency attached by ClinVar (database versions not stated): 1000 Genomes Project 30x 0.00016; 1000 Genomes Project 0.00020; ExAC 0.00157; gnomAD exomes 0.00163; TOPMed 0.00164; gnomAD 0.00166; ESP Exome Variant Server 0.00210.
gnomAD v4.1: 4,828 of 1,613,996 alleles (0.3%); highest among the groups gnomAD compares: Non-Finnish European, 0.36%; 17 homozygotes.

Submissions (8):

Women's Health and Genetics/Laboratory Corporation of America, LabCorp
Classification: Likely benign. Last evaluated: 2025-11-10. Review status: criteria provided, single submitter. Criteria: LabCorp Variant Classification Summary - May 2015. Collection method: clinical testing. Allele origin: germline.
Comment: Variant summary: NBEAL2 c.7658G>A (p.Gly2553Glu) results in a non-conservative amino acid change in the encoded protein sequence. Algorithms developed to predict the effect of missense changes on protein structure and function are either unavailable or do not agree on the potential impact of this missense change. The variant allele was found at a frequency of 0.0016 in 249078 control chromosomes, predominantly at a frequency of 0.006 within the Ashkenazi Jewish subpopulation in the gnomAD database, including 2 homozygotes. The observed variant frequency within Ashkenazi Jewish control individuals in the gnomAD database exceeds the estimated maximal expected allele frequency for disease-causing variants in NBEAL2. c.7658G>A has been observed in the presence of multiple other variants in at least 1 individual(s) affected with Gray Platelet Syndrome (example, Delage_2023, Albers_2011, Leine_2017), without strong evidence for causality. These report(s) do not provide unequivocal conclusions about association of the variant with Gray Platelet Syndrome. To our knowledge, no experimental evidence demonstrating an impact on protein function has been reported. The following publications have been ascertained in the context of this evaluation (PMID: 37349339, 21765411, 28748566, 26971401, 27348543, 27870194). ClinVar contains an entry for this variant (Variation ID: 287460). Based on the evidence outlined above, the variant was classified as likely benign.

Mayo Clinic Laboratories, Mayo Clinic
Classification: Benign. Last evaluated: 2025-02-03. Review status: criteria provided, single submitter. Criteria: ACMG Guidelines, 2015. Collection method: clinical testing. Allele origin: germline. Observed: 1 variant allele.
Comment: BS1, BS2, BP4_moderate

Blueprint Genetics
Classification: Likely benign. Last evaluated: 2024-11-07. Review status: criteria provided, single submitter. Criteria: ACMG Guidelines, 2015. Collection method: clinical testing. Allele origin: germline.

Genetic Services Laboratory, University of Chicago
Classification: Likely benign. Last evaluated: 2021-09-09. Review status: criteria provided, single submitter. Criteria: ACMG Guidelines, 2015. Collection method: clinical testing. Allele origin: germline. Affected: no.

Labcorp Genetics (formerly Invitae), Labcorp
Classification: Benign. Last evaluated: 2019-12-31. Review status: criteria provided, single submitter. Criteria: Invitae Variant Classification Sherloc (09022015). Collection method: clinical testing. Allele origin: germline.

Illumina Laboratory Services, Illumina
Classification: Uncertain significance for Gray platelet syndrome. Last evaluated: 2017-04-27. Review status: criteria provided, single submitter. Criteria: ICSL Variant Classification Criteria 13 December 2019. Collection method: clinical testing. Allele origin: germline.
Comment: This variant was observed as part of a predisposition screen in an ostensibly healthy population. A literature search was performed for the gene, cDNA change, and amino acid change (where applicable). Publications were found based on this search. However, the evidence from the literature, in combination with allele frequency data from public databases where available, was not sufficient to rule this variant in or out of causing disease. Therefore, this variant is classified as a variant of unknown significance.

Eurofins Ntd Llc (ga)
Classification: Uncertain significance. Last evaluated: 2016-04-08. Review status: criteria provided, single submitter. Criteria: EGL Classification Definitions 2015. Collection method: clinical testing. Allele origin: germline. Observed: 1 variant allele, 1 heterozygote.

PreventionGenetics, part of Exact Sciences
Classification: Likely benign for NBEAL2-related condition. Last evaluated: 2020-09-21. Review status: no assertion criteria provided. Collection method: clinical testing. Allele origin: germline. Not counted in ClinVar's aggregate classification.
Comment: This variant is classified as likely benign based on ACMG/AMP sequence variant interpretation guidelines (Richards et al. 2015 PMID: 25741868, with internal and published modifications).

Literature cited by the submitters: PubMed 28748566 (cited by Women's Health and Genetics/Laboratory Corporation of America, LabCorp); PubMed 21765411 (cited by Women's Health and Genetics/Laboratory Corporation of America, LabCorp and Illumina Laboratory Services, Illumina); PubMed 26971401 (cited by Women's Health and Genetics/Laboratory Corporation of America, LabCorp); PubMed 27348543 (cited by Women's Health and Genetics/Laboratory Corporation of America, LabCorp); PubMed 27870194 (cited by Women's Health and Genetics/Laboratory Corporation of America, LabCorp); PubMed 37349339 (cited by Women's Health and Genetics/Laboratory Corporation of America, LabCorp).

NM_015175.3(NBEAL2):c.7658G>A (p.Gly2553Glu)

Gene: NBEAL2 (neurobeachin like 2; plus strand). Cytogenetic location: 3p21.31.
Variant type: single nucleotide variant.
Coding change: c.7658G>A on transcript NM_015175.3 (MANE Select); coding-DNA position 7658, G replaced by A.
Protein change: p.Gly2553Glu; replaces glycine 2553 with glutamic acid.
Molecular consequence: missense variant.
Genome position (GRCh38, 1-based): chr3:47,008,125, G>A. VCF-style: chr3-47008125-G-A. GRCh37 (hg19) VCF-style: chr3-47049615-G-A.
Other names: c.7556G>A, p.Gly2519Glu (NM_001365116.2); short protein forms G2553E, G2519E.
Identifiers: ClinVar variation 287460 (VCV000287460.22), dbSNP rs144664865, ClinGen allele CA2362226.
Genomic context (GRCh38, chr3:47,008,125, plus strand): 5'-CACAGGGTGGTCTGTCAGTAGGCCTGGCACCAAAGCCTGTGCAGGTCCTGTATGGGCATG[G>A]GGCTGCAGTGAGCTGTGTGGCCATCAGCACTGAACTTGACATGGCTGTGTCTGGATCTGA-3'
Protein context (NP_055990.1, residues 2543-2563): PKPVQVLYGH[Gly2553Glu]AAVSCVAIST